The following is an entry in ClinVar:

ClinVar aggregate classification (germline): Uncertain significance (1 of 4 stars; one submission).

Conditions:
Cardiac arrhythmia. Also called: Arrhythmia; Cardiac rhythm disease. Identifiers: MedGen C0003811, MONDO:0007263, HP:0011675.

Allele frequency attached by ClinVar (database versions not stated): TOPMed below 0.00001; gnomAD exomes 0.00001 and below 0.00001.
gnomAD v4.1: 2 of 1,614,152 alleles (0.00012%); highest among the groups gnomAD compares: Admixed American, 0.0033%; no homozygotes.

Submission:

Labcorp Genetics (formerly Invitae), Labcorp
Classification: Uncertain significance for Cardiac arrhythmia. Last evaluated: 2023-08-25. Review status: criteria provided, single submitter. Criteria: Invitae Variant Classification Sherloc (09022015). Collection method: clinical testing. Allele origin: germline.
Comment: In summary, the available evidence is currently insufficient to determine the role of this variant in disease. Therefore, it has been classified as a Variant of Uncertain Significance. Algorithms developed to predict the effect of sequence changes on RNA splicing suggest that this variant may disrupt the consensus splice site. ClinVar contains an entry for this variant (Variation ID: 1470827). This variant has not been reported in the literature in individuals affected with RANGRF-related conditions. This variant is present in population databases (no rsID available, gnomAD 0.003%). This sequence change creates a premature translational stop signal (p.Lys120*) in the RANGRF gene. It is expected to result in an absent or disrupted protein product. However, the current clinical and genetic evidence is not sufficient to establish whether loss-of-function variants in RANGRF cause disease.

NM_016492.5(RANGRF):c.358A>T (p.Lys120Ter)

Genes: RANGRF (RAN guanine nucleotide release factor; plus strand), SLC25A35 (solute carrier family 25 member 35; minus strand). Cytogenetic location: 17p13.1.
Variant type: single nucleotide variant.
Coding change: c.358A>T on transcript NM_016492.5 (MANE Select); coding-DNA position 358, A replaced by T.
Protein change: p.Lys120Ter; replaces lysine 120 with a stop codon.
Molecular consequence: nonsense. On other transcripts: 3 prime UTR variant (1), non-coding transcript variant (1), intron variant (3), missense variant (1).
Genome position (GRCh38, 1-based): chr17:8,289,509, A>T. VCF-style: chr17-8289509-A-T. GRCh37 (hg19) VCF-style: chr17-8192827-A-T.
Other names: c.*107T>A (NM_201520.3); c.*42+65T>A (NM_001320871.2, NM_001320872.2); c.351+95A>T (NM_001330127.2); c.358A>T, p.Lys120Ter (NM_001177801.2); c.446A>T, p.Lys149Ile (NM_001177802.2); short protein forms K120*, K149I.
Identifiers: ClinVar variation 1470827 (VCV001470827.7), dbSNP rs1470351437, ClinGen allele CA397996133.